The following is an entry in ClinVar:

NM_001200.4(BMP2):c.617G>A (p.Ser206Asn)

Gene: BMP2 (bone morphogenetic protein 2; plus strand). Cytogenetic location: 20p12.3.
Variant type: single nucleotide variant.
Coding change: c.617G>A on transcript NM_001200.4 (MANE Select); coding-DNA position 617, G replaced by A.
Protein change: p.Ser206Asn; replaces serine 206 with asparagine.
Molecular consequence: missense variant.
Genome position (GRCh38, 1-based): chr20:6,778,515, G>A. VCF-style: chr20-6778515-G-A. GRCh37 (hg19) VCF-style: chr20-6759162-G-A.
Other names: short protein forms S206N.
Identifiers: ClinVar variation 4708519 (VCV004708519.1).
Genomic context (GRCh38, chr20:6,778,515, plus strand): 5'-TCCCCGTGACCAGACTTTTGGACACCAGGTTGGTGAATCAGAATGCAAGCAGGTGGGAAA[G>A]TTTTGATGTCACCCCCGCTGTGATGCGGTGGACTGCACAGGGACACGCCAACCATGGATT-3'
Protein context (NP_001191.1, residues 196-216): LVNQNASRWE[Ser206Asn]FDVTPAVMRW

ClinVar aggregate classification (germline): Uncertain significance (1 of 4 stars; one submission).

Submission:

Labcorp Genetics (formerly Invitae), Labcorp
Classification: Uncertain significance. Last evaluated: 2025-03-31. Review status: criteria provided, single submitter. Criteria: Invitae Variant Classification Sherloc (09022015). Collection method: clinical testing. Allele origin: germline.
Comment: This sequence change replaces serine, which is neutral and polar, with asparagine, which is neutral and polar, at codon 206 of the BMP2 protein (p.Ser206Asn). This variant is present in population databases (no rsID available, gnomAD 0.007%). This variant has not been reported in the literature in individuals affected with BMP2-related conditions. An algorithm developed to predict the effect of missense changes on protein structure and function outputs the following: PolyPhen-2: "Probably Damaging". The asparagine amino acid residue is found in multiple mammalian species, which suggests that this missense change does not adversely affect protein function. In summary, the available evidence is currently insufficient to determine the role of this variant in disease. Therefore, it has been classified as a Variant of Uncertain Significance.